The following is an entry in ClinVar:

ClinVar aggregate classification (germline): Uncertain significance (1 of 4 stars; one submission).

Submission:

GeneDx
Classification: Uncertain significance. Last evaluated: 2026-02-15. Review status: criteria provided, single submitter. Criteria: GeneDx Variant Classification Process June 2021. Collection method: clinical testing. Allele origin: germline. Affected: yes.
Comment: Has not been previously published as pathogenic or benign to our knowledge; Not observed at significant frequency in large population cohorts (gnomAD); In silico analysis supports that this missense variant has a deleterious effect on protein structure/function

NM_001282684.2(KCTD17):c.413G>C (p.Arg138Pro)

Gene: KCTD17 (potassium channel tetramerization domain containing 17; plus strand). Cytogenetic location: 22q12.3.
Variant type: single nucleotide variant.
Coding change: c.413G>C on transcript NM_001282684.2 (MANE Select); coding-DNA position 413, G replaced by C.
Protein change: p.Arg138Pro; replaces arginine 138 with proline.
Molecular consequence: missense variant.
Genome position (GRCh38, 1-based): chr22:37,057,420, G>C. VCF-style: chr22-37057420-G-C. GRCh37 (hg19) VCF-style: chr22-37453460-G-C.
Other names: c.413G>C, p.Arg138Pro (NM_001282685.2, NM_001282686.2, NM_024681.4); short protein forms R138P.
Identifiers: ClinVar variation 1312205 (VCV001312205.3), dbSNP rs786205860, ClinGen allele CA411414110.
Genomic context (GRCh38, chr22:37,057,420, plus strand): 5'-TCCCACAGGTGCCCTCTATGTGACCCTTCTGCCCACAGGTCCCACCCAAGCACGTGTACC[G>C]CGTGCTGCAGTGCCAGGAGGAGGAGCTCACGCAAATGGTCTCCACCATGTCTGATGGCTG-3'
Protein context (NP_001269613.2, residues 128-148): VTQVPPKHVY[Arg138Pro]VLQCQEEELT